The following is an entry in ClinVar:

NM_016507.4(CDK12):c.4024G>C (p.Asp1342His)

Gene: CDK12 (cyclin dependent kinase 12; plus strand). Cytogenetic location: 17q12.
Variant type: single nucleotide variant.
Coding change: c.4024G>C on transcript NM_016507.4 (MANE Select); coding-DNA position 4024, G replaced by C.
Protein change: p.Asp1342His; replaces aspartic acid 1342 with histidine.
Molecular consequence: missense variant.
Genome position (GRCh38, 1-based): chr17:39,530,867, G>C. VCF-style: chr17-39530867-G-C. GRCh37 (hg19) VCF-style: chr17-37687120-G-C.
Other names: c.3997G>C, p.Asp1333His (NM_015083.4); short protein forms D1333H, D1342H.
Identifiers: ClinVar variation 3999349 (VCV003999349.1).

ClinVar aggregate classification (germline): Uncertain significance (1 of 4 stars; one submission).

Submission:

Ambry Genetics
Classification: Uncertain significance. Last evaluated: 2025-04-12. Review status: criteria provided, single submitter. Criteria: Ambry Variant Classification Scheme 2023. Collection method: clinical testing. Allele origin: germline.
Comment: The p.D1342H variant (also known as c.4024G>C), located in coding exon 14 of the CDK12 gene, results from a G to C substitution at nucleotide position 4024. The aspartic acid at codon 1342 is replaced by histidine, an amino acid with similar properties. This amino acid position is conserved. In addition, this alteration is predicted to be tolerated by in silico analysis. Based on the available evidence, the clinical significance of this variant remains unclear.